The following is an entry in ClinVar:

ClinVar aggregate classification (germline): Benign. Review status: criteria provided, multiple submitters, no conflicts (2 of 4 stars). 3 submissions from 3 submitters: Benign (2). 1 of the submissions does not count toward it. Last evaluated 2020-10-29.

Conditions:
FUT2-related disorder. Also called: FUT2-related condition.

Allele frequency attached by ClinVar (database versions not stated): ESP Exome Variant Server 0.37833; gnomAD 0.41495 and 0.42382; TOPMed 0.41830; gnomAD exomes 0.45416 and 0.49446; 1000 Genomes Project 30x 0.48376; ExAC 0.48825; 1000 Genomes Project 0.49601.
gnomAD v4.1: 727,172 of 1,612,590 alleles (45%); highest among the groups gnomAD compares: East Asian, 85%; 171,566 homozygotes.

Submissions (3):

GeneDx
Classification: Benign. Last evaluated: 2020-10-29. Review status: criteria provided, single submitter. Criteria: GeneDx Variant Classification Process June 2021. Collection method: clinical testing. Allele origin: germline. Affected: yes.
Comment: This variant is associated with the following publications: (PMID: 22001757, 23002346)

Breakthrough Genomics
Classification: Benign. Review status: criteria provided, single submitter. Criteria: ACMG Guidelines, 2015. Collection method: not provided. Allele origin: germline. Inheritance: Autosomal recessive inheritance. Affected: yes.

PreventionGenetics, part of Exact Sciences
Classification: Benign for FUT2-related condition. Last evaluated: 2019-05-08. Review status: no assertion criteria provided. Collection method: clinical testing. Allele origin: germline. Not counted in ClinVar's aggregate classification.
Comment: This variant is classified as benign based on ACMG/AMP sequence variant interpretation guidelines (Richards et al. 2015 PMID: 25741868, with internal and published modifications).

NM_000511.6(FUT2):c.390C>T (p.Asn130=)

Genes: FUT2 (fucosyltransferase 2 (H blood group); plus strand), LOC105447645 (uncharacterized LOC105447645; minus strand). Cytogenetic location: 19q13.33.
Variant type: single nucleotide variant.
Coding change: c.390C>T on transcript NM_000511.6 (MANE Select); coding-DNA position 390, C replaced by T.
Protein change: p.Asn130=; no amino-acid change (asparagine 130 retained).
Molecular consequence: synonymous variant. On other transcripts: non-coding transcript variant (1).
Genome position (GRCh38, 1-based): chr19:48,703,346, C>T. VCF-style: chr19-48703346-C-T. GRCh37 (hg19) VCF-style: chr19-49206603-C-T.
Other names: c.390C>T, p.Asn130= (NM_001097638.3).
Identifiers: ClinVar variation 1288280 (VCV001288280.4), dbSNP rs281377, ClinGen allele CA9556229.